The following is an entry in ClinVar:

NM_007294.4(BRCA1):c.1039del (p.Leu347fs)

Gene: BRCA1 (BRCA1 DNA repair associated; minus strand). Cytogenetic location: 17q21.31.
Variant type: Deletion.
Coding change: c.1039del on transcript NM_007294.4 (MANE Select); coding-DNA position 1039, one base deleted (C; older notation c.1039delC).
Protein change: p.Leu347fs; shifts the reading frame from leucine 347.
Molecular consequence: frameshift variant. On other transcripts: intron variant (137).
Genome position (GRCh38, 1-based): chr17:43,094,492, G deleted on the plus strand (C on the coding strand, the reverse complement: BRCA1 is on the minus strand); the first of 4 consecutive G bases (chr17:43,094,492-43,094,495); deleting any one gives the same sequence. VCF-style (leftmost placement, unchanged base first): chr17-43094491-AG-A. GRCh37 (hg19) VCF-style: chr17-41246508-AG-A.
Other names: c.1039delC (NM_007294.3); c.826del, p.Leu276fs (NM_001407571.1, NM_001407853.1, NM_001407894.1 and 9 more transcripts); c.1039del, p.Leu347fs (NM_001407581.1, NM_001407582.1, NM_001407583.1 and 30 more transcripts); c.1036del, p.Leu346fs (NM_001407587.1, NM_001407590.1, NM_001407591.1 and 22 more transcripts); c.1030del, p.Leu344fs (NM_001407646.1, NM_001407647.1); c.916del, p.Leu306fs (NM_001407648.1, NM_001407664.1, NM_001407665.1 and 19 more transcripts); c.913del, p.Leu305fs (NM_001407649.1, NM_001407670.1, NM_001407671.1 and 11 more transcripts); c.961del, p.Leu321fs (NM_001407653.1, NM_001407654.1, NM_001407655.1 and 4 more transcripts); and 41 more; short protein forms L347fs, L300fs, L258fs, L259fs, L305fs, L321fs, L344fs, L235fs.
Identifiers: ClinVar variation 254387 (VCV000254387.6), dbSNP rs749508254, ClinGen allele CA8589953.

ClinVar aggregate classification (germline): Pathogenic. Review status: reviewed by expert panel (3 of 4 stars). 3 submissions from 3 submitters: Pathogenic (1). 2 of the submissions do not count toward it. Last evaluated 2016-09-08.

Conditions:
Hereditary breast ovarian cancer syndrome. Also called: Hereditary breast and ovarian cancer syndrome (HBOC); Breast and ovarian cancer; Hereditary breast and ovarian cancer syndrome; Hereditary breast and ovarian cancer; BRCA1- and BRCA2-Associated Hereditary Breast and Ovarian Cancer; Hereditary breast and/or ovarian cancer syndrome. Identifiers: Orphanet 145, MedGen C0677776, MeSH D061325, MONDO:0003582. Disease mechanism: loss of function.
Breast-ovarian cancer, familial, susceptibility to, 1 (BROVCA1). Also called: BRCA1 Hereditary Breast and Ovarian Cancer; OVARIAN CANCER, SUSCEPTIBILITY TO. Identifiers: Orphanet 145, MedGen C2676676, MONDO:0011450, OMIM 604370. Disease mechanism: loss of function.

Submissions (3):

Evidence-based Network for the Interpretation of Germline Mutant Alleles (ENIGMA)
Classification: Pathogenic for Breast-ovarian cancer, familial, susceptibility to, 1. Last evaluated: 2016-09-08. Review status: reviewed by expert panel. Criteria: ENIGMA BRCA1/2 Classification Criteria (2015). Collection method: curation. Allele origin: germline.
Comment: Variant allele predicted to encode a truncated non-functional protein.

Labcorp Genetics (formerly Invitae), Labcorp
Classification: Pathogenic for Hereditary breast ovarian cancer syndrome. Last evaluated: 2025-08-05. Review status: criteria provided, single submitter. Criteria: Invitae Variant Classification Sherloc (09022015). Collection method: clinical testing. Allele origin: germline. Not counted in ClinVar's aggregate classification.
Comment: This sequence change creates a premature translational stop signal (p.Leu347Cysfs*27) in the BRCA1 gene. It is expected to result in an absent or disrupted protein product. Loss-of-function variants in BRCA1 are known to be pathogenic (PMID: 20104584). This variant is not present in population databases (gnomAD no frequency). This premature translational stop signal has been observed in individual(s) with breast or pancreatic cancer (PMID: 29907814, 29922827). ClinVar contains an entry for this variant (Variation ID: 254387). For these reasons, this variant has been classified as Pathogenic.

Molecular Pathology, Peter Maccallum Cancer Centre
Classification: Pathogenic for Breast-ovarian cancer, familial, susceptibility to, 1. Last evaluated: 2025-04-02. Review status: criteria provided, single submitter. Criteria: ACMG Guidelines, 2015. Collection method: clinical testing. Allele origin: germline. Inheritance: Autosomal dominant inheritance. Not counted in ClinVar's aggregate classification.

Literature cited by the submitters: PubMed 20104584 (cited by Labcorp Genetics (formerly Invitae), Labcorp); PubMed 29907814 (cited by Labcorp Genetics (formerly Invitae), Labcorp); PubMed 29922827 (cited by Labcorp Genetics (formerly Invitae), Labcorp).